The following is an entry in ClinVar:

ClinVar aggregate classification (germline): Conflicting classifications of pathogenicity. Review status: criteria provided, conflicting classifications (1 of 4 stars). 13 submissions from 13 submitters: Uncertain significance (1); Benign (1); Likely benign (7). 4 of the submissions do not count toward it. Last evaluated 2026-01-26.

Conditions:
RBM20-related disorder. Also called: RBM20-related condition.
Dilated cardiomyopathy 1DD (CMD1DD). Identifiers: Orphanet 154, MedGen C2750995, MONDO:0013168, OMIM 613172.
Cardiovascular phenotype. Identifiers: MedGen CN230736.
Cardiomyopathy (CMYO). Also called: Cardiomyopathies. Identifiers: Orphanet 167848, MedGen C0878544, MONDO:0004994, HP:0001638. Inheritance: Various modes of inheritance.

Allele frequency attached by ClinVar (database versions not stated): ExAC 0.00009; gnomAD exomes 0.00013; gnomAD 0.00042 and 0.00046; ESP Exome Variant Server 0.00044; TOPMed 0.00053.
gnomAD v4.1: 253 of 1,551,742 alleles (0.016%); highest among the groups gnomAD compares: African/African-American, 0.13%; no homozygotes.

Submissions (13):

Labcorp Genetics (formerly Invitae), Labcorp
Classification: Likely benign for Dilated cardiomyopathy 1DD. Last evaluated: 2026-01-26. Review status: criteria provided, single submitter. Criteria: Invitae Variant Classification Sherloc (09022015). Collection method: clinical testing. Allele origin: germline.

PreventionGenetics, part of Exact Sciences
Classification: Likely benign for RBM20-related condition. Last evaluated: 2025-11-22. Review status: criteria provided, single submitter. Criteria: ACMG Guidelines, 2015. Collection method: clinical testing. Allele origin: germline.
Comment: This variant is classified as likely benign based on ACMG/AMP sequence variant interpretation guidelines (Richards et al. 2015 PMID: 25741868, with internal and published modifications).

Women's Health and Genetics/Laboratory Corporation of America, LabCorp
Classification: Benign. Last evaluated: 2024-10-15. Review status: criteria provided, single submitter. Criteria: LabCorp Variant Classification Summary - May 2015. Collection method: clinical testing. Allele origin: germline.

Blueprint Genetics
Classification: Likely benign. Last evaluated: 2024-09-15. Review status: criteria provided, single submitter. Criteria: ACMG Guidelines, 2015. Collection method: clinical testing. Allele origin: germline.

CHEO Genetics Diagnostic Laboratory, Children's Hospital of Eastern Ontario
Classification: Likely benign for Cardiomyopathy. Last evaluated: 2023-06-06. Review status: criteria provided, single submitter. Criteria: ACMG Guidelines, 2015. Collection method: clinical testing. Allele origin: germline.

GeneDx
Classification: Likely benign. Last evaluated: 2019-10-02. Review status: criteria provided, single submitter. Criteria: GeneDx Variant Classification Process June 2021. Collection method: clinical testing. Allele origin: germline. Affected: yes.

Molecular Diagnostic Laboratory for Inherited Cardiovascular Disease, Montreal Heart Institute
Classification: Likely benign. Last evaluated: 2019-04-11. Review status: criteria provided, single submitter. Criteria: ACMG Guidelines, 2015. Collection method: clinical testing. Allele origin: germline. Affected: yes.

Ambry Genetics
Classification: Likely benign for Cardiovascular phenotype. Last evaluated: 2018-10-18. Review status: criteria provided, single submitter. Criteria: Ambry Variant Classification Scheme 2023. Collection method: clinical testing. Allele origin: germline.

Illumina Laboratory Services, Illumina
Classification: Uncertain significance for Dilated cardiomyopathy 1DD. Last evaluated: 2018-01-12. Review status: criteria provided, single submitter. Criteria: ICSL Variant Classification Criteria 13 December 2019. Collection method: clinical testing. Allele origin: germline.

Clinical Genetics DNA and cytogenetics Diagnostics Lab, Erasmus MC, Erasmus Medical Center
Classification: Likely benign. Review status: no assertion criteria provided. Collection method: clinical testing. Allele origin: germline. Affected: yes. Study: VKGL Data-share Consensus. Not counted in ClinVar's aggregate classification.

Clinical Genetics, Academic Medical Center
Classification: Benign. Review status: no assertion criteria provided. Collection method: clinical testing. Allele origin: germline. Affected: yes. Study: VKGL Data-share Consensus. Not counted in ClinVar's aggregate classification.

Diagnostic Laboratory, Department of Genetics, University Medical Center Groningen
Classification: Likely benign for Dilated cardiomyopathy 1DD. Review status: no assertion criteria provided. Collection method: clinical testing. Allele origin: germline. Affected: yes. Study: VKGL Data-share Consensus. Not counted in ClinVar's aggregate classification.

Genome Diagnostics Laboratory, University Medical Center Utrecht
Classification: Likely benign. Review status: no assertion criteria provided. Collection method: clinical testing. Allele origin: germline. Affected: yes. Study: VKGL Data-share Consensus. Not counted in ClinVar's aggregate classification.

NM_001134363.3(RBM20):c.1659G>A (p.Ser553=)

Gene: RBM20 (RNA binding motif protein 20; plus strand). Cytogenetic location: 10q25.2.
Variant type: single nucleotide variant.
Coding change: c.1659G>A on transcript NM_001134363.3 (MANE Select); coding-DNA position 1659, G replaced by A.
Protein change: p.Ser553=; no amino-acid change (serine 553 retained).
Molecular consequence: synonymous variant.
Genome position (GRCh38, 1-based): chr10:110,797,639, G>A. VCF-style: chr10-110797639-G-A. GRCh37 (hg19) VCF-style: chr10-112557397-G-A.
Other names: c.1659G>A (LRG_382t1).
Identifiers: ClinVar variation 378473 (VCV000378473.28), dbSNP rs375626512, ClinGen allele CA5688619.
Genomic context (GRCh38, chr10:110,797,639, plus strand): 5'-TGACGTCATTAACCTGGGGCTGCCCTTTGGAAAGGTCACTAATTACATCCTCATGAAGTC[G>A]ACTAATCAGGTAGGTCTGGGTACTTTCACTCCAGTGTATATGCCACAGACCACACATTAG-3'
Protein context (NP_001127835.2, residues 543-563): GKVTNYILMK[Ser553=]TNQAFLEMAY